The following is an entry in ClinVar:

NM_002941.4(ROBO1):c.1506C>G (p.Ile502Met)

Gene: ROBO1 (roundabout guidance receptor 1; minus strand). Cytogenetic location: 3p12.3.
Variant type: single nucleotide variant.
Coding change: c.1506C>G on transcript NM_002941.4 (MANE Select); coding-DNA position 1506, C replaced by G.
Protein change: p.Ile502Met; replaces isoleucine 502 with methionine.
Molecular consequence: missense variant.
Genome position (GRCh38, 1-based): chr3:78,670,138, G>C on the plus strand (C>G on the coding strand, the complement: ROBO1 is on the minus strand). VCF-style: chr3-78670138-G-C. GRCh37 (hg19) VCF-style: chr3-78719288-G-C.
Other names: c.1398C>G, p.Ile466Met (NM_001145845.2, NM_133631.4); short protein forms I502M, I466M.
Identifiers: ClinVar variation 3635776 (VCV003635776.2).

ClinVar aggregate classification (germline): Uncertain significance (1 of 4 stars; one submission).

gnomAD v4.1: 6 of 1,613,412 alleles (0.00037%); highest among the groups gnomAD compares: Non-Finnish European, 0.00042%; no homozygotes.

Submission:

Labcorp Genetics (formerly Invitae), Labcorp
Classification: Uncertain significance. Last evaluated: 2024-02-09. Review status: criteria provided, single submitter. Criteria: Invitae Variant Classification Sherloc (09022015). Collection method: clinical testing. Allele origin: germline.
Comment: This sequence change replaces isoleucine, which is neutral and non-polar, with methionine, which is neutral and non-polar, at codon 502 of the ROBO1 protein (p.Ile502Met). This variant is present in population databases (no rsID available, gnomAD 0.0009%). This variant has not been reported in the literature in individuals affected with ROBO1-related conditions. Advanced modeling of protein sequence and biophysical properties (such as structural, functional, and spatial information, amino acid conservation, physicochemical variation, residue mobility, and thermodynamic stability) performed at Invitae indicates that this missense variant is not expected to disrupt ROBO1 protein function with a negative predictive value of 95%. In summary, the available evidence is currently insufficient to determine the role of this variant in disease. Therefore, it has been classified as a Variant of Uncertain Significance.